The following is an entry in ClinVar:

NM_012123.4(MTO1):c.1147G>A (p.Asp383Asn)

Gene: MTO1 (mitochondrial tRNA translation optimization 1; plus strand). Cytogenetic location: 6q13.
Variant type: single nucleotide variant.
Coding change: c.1147G>A on transcript NM_012123.4 (MANE Select); coding-DNA position 1147, G replaced by A.
Protein change: p.Asp383Asn; replaces aspartic acid 383 with asparagine.
Molecular consequence: missense variant.
Genome position (GRCh38, 1-based): chr6:73,480,692, G>A. VCF-style: chr6-73480692-G-A. GRCh37 (hg19) VCF-style: chr6-74190415-G-A.
Other names: c.1147G>A, p.Asp383Asn (NM_001123226.2); c.1222G>A, p.Asp408Asn (NM_133645.3); c.1147G>A (NM_001123226.1); short protein forms D383N, D408N.
Identifiers: ClinVar variation 655080 (VCV000655080.5), dbSNP rs145163085, ClinGen allele CA3889553.
Genomic context (GRCh38, chr6:73,480,692, plus strand): 5'-CAGCTCTGTATTTACTTATTTAATGTCTTTGTTCTTTGGTCAGGCTACGGTGTTCAGTAT[G>A]ATTACTTAGATCCCCGTCAGATCACCCCTTCCTTGGAGACTCATTTGGTTCAACGACTCT-3'
Protein context (NP_036255.2, residues 373-393): VIQPGYGVQY[Asp383Asn]YLDPRQITPS

ClinVar aggregate classification (germline): Uncertain significance. Review status: criteria provided, multiple submitters, no conflicts (2 of 4 stars). 3 submissions from 3 submitters: Uncertain significance (3). Last evaluated 2024-10-11.

Conditions:
Mitochondrial hypertrophic cardiomyopathy with lactic acidosis due to MTO1 deficiency. Also called: CARDIOMYOPATHY, INFANTILE HYPERTROPHIC MITOCHONDRIAL, AND LACTIC ACIDOSIS; Combined oxidative phosphorylation deficiency 10. Identifiers: Orphanet 314637, MedGen C4749921, MONDO:0013865, OMIM 614702.
Inborn genetic diseases. Identifiers: MedGen C0950123, MeSH D030342.

Allele frequency attached by ClinVar (database versions not stated): gnomAD exomes 0.00001 and 0.00006; ExAC 0.00006; gnomAD 0.00013 and 0.00015; TOPMed 0.00016; ESP Exome Variant Server 0.00023.

Submissions (3):

GeneDx
Classification: Uncertain significance. Last evaluated: 2024-10-11. Review status: criteria provided, single submitter. Criteria: GeneDx Variant Classification Process June 2021. Collection method: clinical testing. Allele origin: germline. Affected: yes.
Comment: In silico analysis supports that this missense variant has a deleterious effect on protein structure/function; Has not been previously published as pathogenic or benign to our knowledge

Labcorp Genetics (formerly Invitae), Labcorp
Classification: Uncertain significance for Mitochondrial hypertrophic cardiomyopathy with lactic acidosis due to MTO1 deficiency. Last evaluated: 2022-08-07. Review status: criteria provided, single submitter. Criteria: Invitae Variant Classification Sherloc (09022015). Collection method: clinical testing. Allele origin: germline.
Comment: This sequence change replaces aspartic acid, which is acidic and polar, with asparagine, which is neutral and polar, at codon 383 of the MTO1 protein (p.Asp383Asn). This variant is present in population databases (rs145163085, gnomAD 0.06%). This variant has not been reported in the literature in individuals affected with MTO1-related conditions. ClinVar contains an entry for this variant (Variation ID: 655080). Algorithms developed to predict the effect of missense changes on protein structure and function are either unavailable or do not agree on the potential impact of this missense change (SIFT: "Deleterious"; PolyPhen-2: "Probably Damaging"; Align-GVGD: "Class C0"). In summary, the available evidence is currently insufficient to determine the role of this variant in disease. Therefore, it has been classified as a Variant of Uncertain Significance.

Ambry Genetics
Classification: Uncertain significance for Inborn genetic diseases. Last evaluated: 2021-08-18. Review status: criteria provided, single submitter. Criteria: Ambry Variant Classification Scheme 2023. Collection method: clinical testing. Allele origin: germline.